The following is an entry in ClinVar:

ClinVar aggregate classification (germline): Benign/Likely benign. Review status: criteria provided, multiple submitters, no conflicts (2 of 4 stars). 3 submissions from 3 submitters: Benign (1); Likely benign (2). Last evaluated 2026-02-01.

Allele frequency attached by ClinVar (database versions not stated): gnomAD 0.00077 and 0.00073; 1000 Genomes Project 30x 0.00031; 1000 Genomes Project 0.00040; ExAC 0.00016; gnomAD exomes 0.00017 and 0.00046; TOPMed 0.00045.
gnomAD v4.1: 356 of 1,543,492 alleles (0.023%); highest among the groups gnomAD compares: African/African-American, 0.12%; no homozygotes.

Submissions (3):

CeGaT Center for Human Genetics Tuebingen
Classification: Likely benign. Last evaluated: 2026-02-01. Review status: criteria provided, single submitter. Criteria: CeGaT Center For Human Genetics Tuebingen Variant Classification Criteria Version 2. Collection method: clinical testing. Allele origin: germline. Affected: yes. Observed: 1 variant allele.
Comment: COL18A1: BP4, BP7

Labcorp Genetics (formerly Invitae), Labcorp
Classification: Benign. Last evaluated: 2026-01-24. Review status: criteria provided, single submitter. Criteria: Invitae Variant Classification Sherloc (09022015). Collection method: clinical testing. Allele origin: germline.

Blueprint Genetics
Classification: Likely benign. Last evaluated: 2024-09-19. Review status: criteria provided, single submitter. Criteria: ACMG Guidelines, 2015. Collection method: clinical testing. Allele origin: germline.

NM_001379500.1(COL18A1):c.3264C>T (p.Ala1088=)

Genes: COL18A1 (collagen type XVIII alpha 1 chain; plus strand), SLC19A1 (solute carrier family 19 member 1; minus strand). Cytogenetic location: 21q22.3.
Variant type: single nucleotide variant.
Coding change: c.3264C>T on transcript NM_001379500.1 (MANE Select); coding-DNA position 3264, C replaced by T.
Protein change: p.Ala1088=; no amino-acid change (alanine 1088 retained).
Molecular consequence: synonymous variant.
Genome position (GRCh38, 1-based): chr21:45,509,370, C>T. VCF-style: chr21-45509370-C-T. GRCh37 (hg19) VCF-style: chr21-46929284-C-T.
Other names: c.3795C>T, p.Ala1265= (NM_030582.4); c.4500C>T, p.Ala1500= (NM_130444.3).
Identifiers: ClinVar variation 1620106 (VCV001620106.13), dbSNP rs550594814, ClinGen allele CA10067838.